The following is an entry in ClinVar:

ClinVar aggregate classification (germline): Pathogenic (1 of 4 stars; one submission).

Submission:

Labcorp Genetics (formerly Invitae), Labcorp
Classification: Pathogenic. Last evaluated: 2025-02-12. Review status: criteria provided, single submitter. Criteria: Invitae Variant Classification Sherloc (09022015). Collection method: clinical testing. Allele origin: germline.
Comment: This sequence change creates a premature translational stop signal (p.Met329Ilefs*49) in the CLCN4 gene. It is expected to result in an absent or disrupted protein product. Loss-of-function variants in CLCN4 are known to be pathogenic (PMID: 27550844). This variant is not present in population databases (gnomAD no frequency). This variant has not been reported in the literature in individuals affected with CLCN4-related conditions. For these reasons, this variant has been classified as Pathogenic.

Literature cited by the submitters: PubMed 27550844.

NM_001830.4(CLCN4):c.985_986dup (p.Met329fs)

Gene: CLCN4 (chloride voltage-gated channel 4; plus strand). Cytogenetic location: Xp22.2.
Variant type: Duplication.
Coding change: c.985_986dup on transcript NM_001830.4 (MANE Select); coding-DNA positions 985 to 986, 2 bases duplicated (AT; older notation c.985_986dupAT).
Protein change: p.Met329fs; shifts the reading frame from methionine 329.
Molecular consequence: frameshift variant.
Genome position (GRCh38, 1-based): chrX:10,208,186-10,208,187, AT duplicated. VCF-style (leftmost placement, unchanged base first): chrX-10208185-C-CAT. GRCh37 (hg19) VCF-style: chrX-10176225-C-CAT.
Other names: c.703_704dup, p.Met235fs (NM_001256944.2); short protein forms M329fs, M235fs.
Identifiers: ClinVar variation 4712894 (VCV004712894.1).